The following is an entry in ClinVar:

ClinVar aggregate classification (germline): Pathogenic. Review status: criteria provided, single submitter (1 of 4 stars). 2 submissions from 2 submitters: Pathogenic (1). 1 of the submissions does not count toward it. Last evaluated 2023-03-21.

Conditions:
Niemann-Pick disease, type C1. Also called: NIEMANN-PICK DISEASE, VARIANT TYPE C1; NEUROVISCERAL STORAGE DISEASE WITH VERTICAL SUPRANUCLEAR OPHTHALMOPLEGIA; NIEMANN-PICK DISEASE WITH CHOLESTEROL ESTERIFICATION BLOCK; NIEMANN-PICK DISEASE WITHOUT SPHINGOMYELINASE DEFICIENCY; NIEMANN-PICK DISEASE, CHRONIC NEURONOPATHIC FORM. Identifiers: Orphanet 646, MedGen C3179455, MONDO:0009757, OMIM 257220.

Submissions (2):

Labcorp Genetics (formerly Invitae), Labcorp
Classification: Pathogenic for Niemann-Pick disease, type C1. Last evaluated: 2023-03-21. Review status: criteria provided, single submitter. Criteria: Invitae Variant Classification Sherloc (09022015). Collection method: clinical testing. Allele origin: germline.
Comment: For these reasons, this variant has been classified as Pathogenic. ClinVar contains an entry for this variant (Variation ID: 555442). This variant is also known as delAG (2963–2964). This premature translational stop signal has been observed in individual(s) with Niemann-Pick type C (PMID: 10521290). This variant is not present in population databases (gnomAD no frequency). This sequence change creates a premature translational stop signal (p.Arg989Alafs*17) in the NPC1 gene. It is expected to result in an absent or disrupted protein product. Loss-of-function variants in NPC1 are known to be pathogenic (PMID: 9211850).

Counsyl
Classification: Likely pathogenic for Niemann-Pick disease, type C1. Last evaluated: 2017-12-05. Review status: no assertion criteria provided. Collection method: clinical testing. Allele origin: unknown. Not counted in ClinVar's aggregate classification.

Literature cited by the submitters: PubMed 10521290 (cited by Labcorp Genetics (formerly Invitae), Labcorp and Counsyl); PubMed 9211850 (cited by Labcorp Genetics (formerly Invitae), Labcorp).

NM_000271.5(NPC1):c.2965_2966del (p.Arg989fs)

Gene: NPC1 (NPC intracellular cholesterol transporter 1; minus strand). Cytogenetic location: 18q11.2.
Variant type: Microsatellite.
Coding change: c.2965_2966del on transcript NM_000271.5 (MANE Select); coding-DNA positions 2965 to 2966, 2 bases deleted (AG; older notation c.2965_2966delAG).
Protein change: p.Arg989fs; shifts the reading frame from arginine 989.
Molecular consequence: frameshift variant.
Genome position (GRCh38, 1-based): chr18:23,538,617-23,538,618, CT deleted on the plus strand (AG on the coding strand, the reverse complement: NPC1 is on the minus strand); deleting any 2 consecutive bases within chr18:23,538,617-23,538,620 gives the same sequence; the c. name uses the placement nearest the transcript's 3' end. VCF-style (leftmost placement, unchanged base first): chr18-23538616-CCT-C. GRCh37 (hg19) VCF-style: chr18-21118580-CCT-C.
Other names: short protein forms R989fs.
Identifiers: ClinVar variation 555442 (VCV000555442.7), dbSNP rs1555632977, ClinGen allele CA658824814.